The following is an entry in ClinVar:

ClinVar aggregate classification (germline): Likely benign. Review status: criteria provided, multiple submitters, no conflicts (2 of 4 stars). 2 submissions from 2 submitters: Likely benign (2). Last evaluated 2025-08-01.

gnomAD v4.1: 3 of 1,611,690 alleles (0.00019%); highest among the groups gnomAD compares: South Asian, 0.0022%; no homozygotes.

Submissions (2):

CeGaT Center for Human Genetics Tuebingen
Classification: Likely benign. Last evaluated: 2025-08-01. Review status: criteria provided, single submitter. Criteria: CeGaT Center For Human Genetics Tuebingen Variant Classification Criteria Version 2. Collection method: clinical testing. Allele origin: germline. Affected: yes. Observed: 1 variant allele.
Comment: PIGB: BP4, BP7

Labcorp Genetics (formerly Invitae), Labcorp
Classification: Likely benign. Last evaluated: 2024-08-21. Review status: criteria provided, single submitter. Criteria: Invitae Variant Classification Sherloc (09022015). Collection method: clinical testing. Allele origin: germline.

NM_004855.5(PIGB):c.1224A>G (p.Gln408=)

Gene: PIGB (phosphatidylinositol glycan anchor biosynthesis class B; plus strand). Cytogenetic location: 15q21.3.
Variant type: single nucleotide variant.
Coding change: c.1224A>G on transcript NM_004855.5 (MANE Select); coding-DNA position 1224, A replaced by G.
Protein change: p.Gln408=; no amino-acid change (glutamine 408 retained).
Molecular consequence: synonymous variant.
Genome position (GRCh38, 1-based): chr15:55,350,799, A>G. VCF-style: chr15-55350799-A-G. GRCh37 (hg19) VCF-style: chr15-55642997-A-G.
Identifiers: ClinVar variation 3694541 (VCV003694541.10).